The following is an entry in ClinVar:

NM_001943.5(DSG2):c.495dup (p.Gly166fs)

Gene: DSG2 (desmoglein 2; plus strand). Cytogenetic location: 18q12.1.
Variant type: Duplication.
Coding change: c.495dup on transcript NM_001943.5 (MANE Select); coding-DNA position 495, one base duplicated (T; older notation c.495dupT).
Protein change: p.Gly166fs; shifts the reading frame from glycine 166.
Molecular consequence: frameshift variant.
Genome position (GRCh38, 1-based): chr18:31,521,215, T duplicated; the last of 2 consecutive T bases (chr18:31,521,214-31,521,215); duplicating either gives the same sequence. VCF-style (leftmost placement, unchanged base first): chr18-31521213-G-GT. GRCh37 (hg19) VCF-style: chr18-29101176-G-GT.
Other names: c.495dup (NM_001943.3, LRG_397t1); c.495dupT (NM_001943.4); short protein forms G166fs.
Identifiers: ClinVar variation 280230 (VCV000280230.23), dbSNP rs781532110, ClinGen allele CA8928333.

ClinVar aggregate classification (germline): Conflicting classifications of pathogenicity. Review status: criteria provided, conflicting classifications (1 of 4 stars). 6 submissions from 6 submitters: Pathogenic (5); Uncertain significance (1). Last evaluated 2026-10-14.

Conditions:
Arrhythmogenic right ventricular dysplasia 10. Also called: Arrhythmogenic right ventricular dysplasia/cardiomyopathy, type 10; Arrhythmogenic Right Ventricular Dysplasia/Cardiomyopathy10; ARRHYTHMOGENIC RIGHT VENTRICULAR DYSPLASIA, FAMILIAL, 10. Identifiers: MedGen C1857777, MONDO:0012434, OMIM 610193.
Cardiomyopathy (CMYO). Also called: Cardiomyopathies. Identifiers: Orphanet 167848, MedGen C0878544, MONDO:0004994, HP:0001638. Inheritance: Various modes of inheritance.
DSG2-related disorder. Also called: DSG2-related condition.
Dilated cardiomyopathy 1BB (CMD1BB). Also called: CARDIOMYOPATHY, DILATED, 1BB, SUSCEPTIBILITY TO. Identifiers: Orphanet 154, MedGen C2752072, MONDO:0013030, OMIM 612877.

Submissions (6):

GeneDx
Classification: Pathogenic. Last evaluated: 2026-10-14. Review status: criteria provided, single submitter. Criteria: GeneDx Variant Classification Process June 2021. Collection method: clinical testing. Allele origin: germline.
Comment: Frameshift variant predicted to result in protein truncation or nonsense mediated decay in a gene for which loss-of-function is a known mechanism of disease; Not observed at significant frequency in large population cohorts (gnomAD); This variant is associated with the following publications: (PMID: 33087929, 27532257, 36264615, 38642551, 31447099, 31402444, 36136372)

Labcorp Genetics (formerly Invitae), Labcorp
Classification: Pathogenic for Arrhythmogenic right ventricular dysplasia 10. Last evaluated: 2026-01-27. Review status: criteria provided, single submitter. Criteria: Invitae Variant Classification Sherloc (09022015). Collection method: clinical testing. Allele origin: germline.
Comment: This sequence change creates a premature translational stop signal (p.Gly166Trpfs*4) in the DSG2 gene. It is expected to result in an absent or disrupted protein product. Loss-of-function variants in DSG2 are known to be pathogenic (PMID: 17105751, 31386562). This variant is present in population databases (rs781532110, gnomAD 0.008%). This premature translational stop signal has been observed in individual(s) with arrhythmogenic right ventricular cardiomyopathy (PMID: 27532257). ClinVar contains an entry for this variant (Variation ID: 280230). For these reasons, this variant has been classified as Pathogenic.

Color Diagnostics, LLC DBA Color Health
Classification: Uncertain significance for Cardiomyopathy. Last evaluated: 2025-10-07. Review status: criteria provided, single submitter. Criteria: ACMG Guidelines, 2015. Collection method: clinical testing. Allele origin: germline.
Comment: This variant causes duplication of 1 nucleotide in exon 5 of the DSG2 gene, creating a frameshift and premature translation stop signal. This variant is expected to result in an absent or non-functional protein product. This variant has been reported in an individual affected with arrhythmogenic right ventricular cardiomyopathy (PMID: 27532257). This variant has also been identified in 12/1611850 chromosomes in the general population by the Genome Aggregation Database (gnomAD). The role of loss-of-function DSG2 truncation variants in autosomal dominant cardiovascular disorders is not clearly understood. The available evidence is insufficient to determine the role of this variant in disease conclusively. Therefore, this variant is classified as a Variant of Uncertain Significance.

PreventionGenetics, part of Exact Sciences
Classification: Pathogenic for DSG2-related condition. Last evaluated: 2024-11-25. Review status: criteria provided, single submitter. Criteria: ACMG Guidelines, 2015. Collection method: clinical testing. Allele origin: germline.
Comment: The DSG2 c.495dupT variant is predicted to result in a frameshift and premature protein termination (p.Gly166Trpfs*4). This variant was reported in the heterozygous state in multiple individuals with autosomal dominant arrhythmogenic right ventricular cardiomyopathy (Nafissi et al. 2022. PubMed ID: 36136372; Bourfiss et al. 2022. PubMed ID: 36264615; Ye et al. 2019. PubMed ID: 31402444; Van Hout et al. 2020. PubMed ID: 33087929; van Lint et al. 2019. PubMed ID: 31386562). This variant is reported in 0.0083% of alleles in individuals of African descent in gnomAD. Frameshift variants in DSG2 are expected to be pathogenic. This variant is interpreted as pathogenic.

Victorian Clinical Genetics Services, Murdoch Childrens Research Institute
Classification: Pathogenic for Arrhythmogenic right ventricular dysplasia 10. Last evaluated: 2022-02-02. Review status: criteria provided, single submitter. Criteria: ACMG Guidelines, 2015. Collection method: clinical testing. Allele origin: germline. Inheritance: Autosomal dominant inheritance.
Comment: Based on the classification scheme VCGS_Germline_v1.3.4, this variant is classified as Pathogenic. Following criteria are met: 0103 - Loss of function and gain of function are reported mechanisms of disease in this gene and are associated with arrhythmogenic right ventricular dysplasia 10 (ARVD; MIM#610193) and dilated cardiomyopathy 1BB (DCM; MIM#612877) (ClinVar, PMID: 23071725). (I) 0112 - The ARVD condition associated with this gene has incomplete penetrance (OMIM). (I) 0201 - Variant is predicted to cause nonsense-mediated decay (NMD) and loss of protein (premature termination codon is located at least 54 nucleotides upstream of the final exon-exon junction). (SP) 0251 - This variant is heterozygous. (I) 0108 - This gene is associated with both recessive and dominant disease. It is commonly associated with dominant inheritance; however recessive inheritance has been reported in severe DCM patients (OMIM). (I) 0304 - Variant is present in gnomAD (v2 & v3) <0.01 (3 heterozygotes, 0 homozygotes). (SP) 0701 - Other NMD predicted variants comparable to the one identified in this case have very strong previous evidence for pathogenicity. Other NMD predicted variants have been reported as pathogenic in ClinVar. (SP) 0803 - This variant has limited previous evidence of pathogenicity in unrelated individuals. This variant has been reported as pathogenic in ClinVar and in an individual with ARVC (PMID: 27532257). (SP) 1208 - Inheritance information for this variant is not currently available in this individual. (I) Legend: (SP) - Supporting pathogenic, (I) - Information, (SB) - Supporting benign

Fulgent Genetics
Classification: Pathogenic for Arrhythmogenic right ventricular dysplasia 10; Dilated cardiomyopathy 1BB. Last evaluated: 2021-11-08. Review status: criteria provided, single submitter. Criteria: ACMG Guidelines, 2015. Collection method: clinical testing. Allele origin: unknown.

Literature cited by the submitters: PubMed 17105751 (cited by Labcorp Genetics (formerly Invitae), Labcorp); PubMed 31386562 (cited by Labcorp Genetics (formerly Invitae), Labcorp); PubMed 27532257 (cited by 3 submitters); PubMed 23071725 (cited by Victorian Clinical Genetics Services, Murdoch Childrens Research Institute).